The following is an entry in ClinVar:

NM_019112.4(ABCA7):c.2309G>A (p.Arg770Gln)

Gene: ABCA7 (ATP binding cassette subfamily A member 7; plus strand). Cytogenetic location: 19p13.3.
Variant type: single nucleotide variant.
Coding change: c.2309G>A on transcript NM_019112.4 (MANE Select); coding-DNA position 2309, G replaced by A.
Protein change: p.Arg770Gln; replaces arginine 770 with glutamine.
Molecular consequence: missense variant.
Genome position (GRCh38, 1-based): chr19:1,048,934, G>A. VCF-style: chr19-1048934-G-A. GRCh37 (hg19) VCF-style: chr19-1048933-G-A.
Other names: short protein forms R770Q.
Identifiers: ClinVar variation 4688370 (VCV004688370.1).
Genomic context (GRCh38, chr19:1,048,934, plus strand): 5'-AACCCGCGCCCCTCCCCGCAGGCCAGTACGGGATCCCTGAACCATGGAATTTTCCTTTTC[G>A]GAGGAGCTACTGGTGCGGACCTCGGCCCCCCAAGAGTCCAGCCCCTTGCCCCACCCCGCT-3'
Protein context (NP_061985.2, residues 760-780): GIPEPWNFPF[Arg770Gln]RSYWCGPRPP

ClinVar aggregate classification (germline): Uncertain significance (1 of 4 stars; one submission).

gnomAD v4.1: 69 of 1,608,856 alleles (0.0043%); highest among the groups gnomAD compares: East Asian, 0.0067%; no homozygotes.

Submission:

Women's Health and Genetics/Laboratory Corporation of America, LabCorp
Classification: Uncertain significance. Last evaluated: 2025-12-11. Review status: criteria provided, single submitter. Criteria: LabCorp Variant Classification Summary - May 2015. Collection method: clinical testing. Allele origin: germline.
Comment: Variant summary: ABCA7 c.2309G>A (p.Arg770Gln) results in a conservative amino acid change in the encoded protein sequence. Algorithms developed to predict the effect of missense changes on protein structure and function all suggest that this variant is likely to be tolerated. The variant allele was found at a frequency of 4.9e-05 in 243764 control chromosomes. This frequency is not significantly higher than estimated for disease-causing variants in ABCA7, allowing no conclusion about variant significance. c.2309G>A has been observed in individual(s) affected with Alzheimer Disease, without strong evidence for causality (e.g. Zhang_2020). These report(s) do not provide unequivocal conclusions about association of the variant with Alzheimer Disease. To our knowledge, no experimental evidence demonstrating an impact on protein function has been reported. The following publication has been ascertained in the context of this evaluation (PMID: 32941707). No submitters have cited clinical-significance assessments for this variant to ClinVar. Based on the evidence outlined above, the variant was classified as uncertain significance.

Literature cited by the submitters: PubMed 32941707.